The following is an entry in ClinVar:

ClinVar aggregate classification (germline): Uncertain significance. Review status: criteria provided, multiple submitters, no conflicts (2 of 4 stars). 2 submissions from 2 submitters: Uncertain significance (2). Last evaluated 2025-06-02.

Conditions:
UTP4-related disorder. Also called: UTP4-related condition.

gnomAD v4.1: 5 of 1,612,934 alleles (0.00031%); highest among the groups gnomAD compares: Admixed American, 0.0067%; no homozygotes.

Submissions (2):

PreventionGenetics, part of Exact Sciences
Classification: Uncertain significance for UTP4-related condition. Last evaluated: 2025-06-02. Review status: criteria provided, single submitter. Criteria: ACMG Guidelines, 2015. Collection method: clinical testing. Allele origin: germline.
Comment: The UTP4 c.1912G>A variant is predicted to result in the amino acid substitution p.Ala638Thr. To our knowledge, this variant has not been reported in the literature. This variant is reported in 0.014% of alleles in individuals of Latino descent in gnomAD. At this time, the clinical significance of this variant is uncertain due to the absence of conclusive functional and genetic evidence.

Labcorp Genetics (formerly Invitae), Labcorp
Classification: Uncertain significance. Last evaluated: 2024-03-16. Review status: criteria provided, single submitter. Criteria: Invitae Variant Classification Sherloc (09022015). Collection method: clinical testing. Allele origin: germline.
Comment: This sequence change replaces alanine, which is neutral and non-polar, with threonine, which is neutral and polar, at codon 638 of the UTP4 protein (p.Ala638Thr). This variant is present in population databases (rs765532644, gnomAD 0.01%). This variant has not been reported in the literature in individuals affected with UTP4-related conditions. Advanced modeling of protein sequence and biophysical properties (such as structural, functional, and spatial information, amino acid conservation, physicochemical variation, residue mobility, and thermodynamic stability) performed at Invitae indicates that this missense variant is not expected to disrupt UTP4 protein function with a negative predictive value of 80%. In summary, the available evidence is currently insufficient to determine the role of this variant in disease. Therefore, it has been classified as a Variant of Uncertain Significance.

NM_032830.3(UTP4):c.1912G>A (p.Ala638Thr)

Gene: UTP4 (UTP4 small subunit processome component). Cytogenetic location: 16q22.1.
Variant type: single nucleotide variant.
Coding change: c.1912G>A on transcript NM_032830.3 (MANE Select); coding-DNA position 1912, G replaced by A.
Protein change: p.Ala638Thr; replaces alanine 638 with threonine.
Molecular consequence: missense variant.
Genome position (GRCh38, 1-based): chr16:69,167,153, G>A. VCF-style: chr16-69167153-G-A. GRCh37 (hg19) VCF-style: chr16-69201056-G-A.
Other names: c.1663G>A, p.Ala555Thr (NM_001318391.2); c.1912G>A (NM_032830.2); short protein forms A555T, A638T.
Identifiers: ClinVar variation 3609262 (VCV003609262.3).